The following is an entry in ClinVar:

NM_001256627.2(BRSK2):c.1076-10C>T

Gene: BRSK2 (BR serine/threonine kinase 2; plus strand). Cytogenetic location: 11p15.5.
Variant type: single nucleotide variant.
Coding change: c.1076-10C>T on transcript NM_001256627.2 (MANE Select); 10 bases into the intron before coding-DNA position 1076, C replaced by T.
Molecular consequence: intron variant.
Genome position (GRCh38, 1-based): chr11:1,445,747, C>T. VCF-style: chr11-1445747-C-T. GRCh37 (hg19) VCF-style: chr11-1466977-C-T.
Other names: c.1076-10C>T (NM_001256629.2, NM_003957.4); c.896-10C>T (NM_001282218.2); c.1214-10C>T (NM_001256630.1).
Identifiers: ClinVar variation 3032367 (VCV003032367.2), dbSNP rs376177479, ClinGen allele CA5810825.
Genomic context (GRCh38, chr11:1,445,747, plus strand): 5'-CCTCCAGCCCGGCCTGCACTGCCCCACCGGGGTCCGGGGGCTGTCTGGCCTGACCTTCGT[C>T]TGTACTCAGACCCTCCCCGGAAGCGTGTGGACTCCCCGATGCTGAACCGGCACGGCAAGC-3'

ClinVar aggregate classification (germline): Likely benign (0 of 4 stars; one submission).

Conditions:
BRSK2-related disorder. Also called: BRSK2-related condition; BRSK2-Related Disorders.

Allele frequency attached by ClinVar (database versions not stated): ExAC 0.00013; ESP Exome Variant Server 0.00016; gnomAD 0.00020; TOPMed 0.00022.
gnomAD v4.1: 559 of 1,611,258 alleles (0.035%); highest among the groups gnomAD compares: Non-Finnish European, 0.043%; 1 homozygote.

Submission:

PreventionGenetics, part of Exact Sciences
Classification: Likely benign for BRSK2-related condition. Last evaluated: 2022-08-23. Review status: no assertion criteria provided. Collection method: clinical testing. Allele origin: germline.
Comment: This variant is classified as likely benign based on ACMG/AMP sequence variant interpretation guidelines (Richards et al. 2015 PMID: 25741868, with internal and published modifications).